The following is an entry in ClinVar:

ClinVar aggregate classification (germline): Uncertain significance (1 of 4 stars; one submission).

Allele frequency attached by ClinVar (database versions not stated): ExAC 0.00001.
gnomAD v4.1: 1 of 1,568,400 alleles (0.000064%); highest among the groups gnomAD compares: Admixed American, 0.0017%; no homozygotes.

Submission:

Labcorp Genetics (formerly Invitae), Labcorp
Classification: Uncertain significance. Last evaluated: 2021-05-31. Review status: criteria provided, single submitter. Criteria: Invitae Variant Classification Sherloc (09022015). Collection method: clinical testing. Allele origin: germline.
Comment: In summary, the available evidence is currently insufficient to determine the role of this variant in disease. Therefore, it has been classified as a Variant of Uncertain Significance. Advanced modeling of protein sequence and biophysical properties (such as structural, functional, and spatial information, amino acid conservation, physicochemical variation, residue mobility, and thermodynamic stability) performed at Invitae indicates that this missense variant is not expected to disrupt OPA1 protein function. This variant has not been reported in the literature in individuals with OPA1-related conditions. This variant is present in population databases (rs780773698, ExAC 0.009%). This sequence change replaces valine with isoleucine at codon 868 of the OPA1 protein (p.Val868Ile). The valine residue is weakly conserved and there is a small physicochemical difference between valine and isoleucine.

NM_130837.3(OPA1):c.2767G>A (p.Val923Ile)

Gene: OPA1 (OPA1 mitochondrial dynamin like GTPase; plus strand). Cytogenetic location: 3q29.
Variant type: single nucleotide variant.
Coding change: c.2767G>A on transcript NM_130837.3 (MANE Select); coding-DNA position 2767, G replaced by A.
Protein change: p.Val923Ile; replaces valine 923 with isoleucine.
Molecular consequence: missense variant.
Genome position (GRCh38, 1-based): chr3:193,664,985, G>A. VCF-style: chr3-193664985-G-A. GRCh37 (hg19) VCF-style: chr3-193382774-G-A.
Other names: c.2233G>A, p.Val745Ile (NM_001354663.2); c.2230G>A, p.Val744Ile (NM_001354664.2); c.2602G>A, p.Val868Ile (NM_015560.3); c.2494G>A, p.Val832Ile (NM_130831.3); c.2548G>A, p.Val850Ile (NM_130832.3); c.2605G>A, p.Val869Ile (NM_130833.3); c.2656G>A, p.Val886Ile (NM_130834.3); c.2659G>A, p.Val887Ile (NM_130835.3); and 1 more; short protein forms V745I, V744I, V886I, V905I, V868I, V887I, V923I, V832I.
Identifiers: ClinVar variation 1509954 (VCV001509954.8), dbSNP rs780773698, ClinGen allele CA2759739.
Genomic context (GRCh38, chr3:193,664,985, plus strand): 5'-ACAGCTCTAAACCATTGTAACCTTTGTCGAAGAGGTTTTTATTACTACCAAAGGCATTTT[G>A]TAGATTCTGAGGTAAGGTTTCCAAAAACAAAGAGAAGTATTTTTAAGCAACAGTTGTCAA-3'
Protein context (NP_570850.2, residues 913-933): RGFYYYQRHF[Val923Ile]DSELECNDVV